The following is an entry in ClinVar:

ClinVar aggregate classification (germline): Uncertain significance. Review status: criteria provided, multiple submitters, no conflicts (2 of 4 stars). 3 submissions from 3 submitters: Uncertain significance (3). Last evaluated 2025-03-14.

Conditions:
Cardiovascular phenotype. Identifiers: MedGen CN230736.
RASopathy. Also called: rasopathies; Noonan spectrum disorder. Identifiers: Orphanet 536391, MedGen C5555857, MONDO:0021060.

Allele frequency attached by ClinVar (database versions not stated): gnomAD 0.00002.
gnomAD v4.1: 3 of 1,614,048 alleles (0.00019%); highest among the groups gnomAD compares: African/African-American, 0.004%; no homozygotes.

Submissions (3):

Ambry Genetics
Classification: Uncertain significance for Cardiovascular phenotype. Last evaluated: 2025-03-14. Review status: criteria provided, single submitter. Criteria: Ambry Variant Classification Scheme 2023. Collection method: clinical testing. Allele origin: germline.
Comment: The p.G763S variant (also known as c.2287G>A), located in coding exon 15 of the CBL gene, results from a G to A substitution at nucleotide position 2287. The glycine at codon 763 is replaced by serine, an amino acid with similar properties. This amino acid position is conserved. In addition, this alteration is predicted to be tolerated by in silico analysis. Based on the available evidence, the clinical significance of this variant remains unclear.

Labcorp Genetics (formerly Invitae), Labcorp
Classification: Uncertain significance for RASopathy. Last evaluated: 2024-12-27. Review status: criteria provided, single submitter. Criteria: Invitae Variant Classification Sherloc (09022015). Collection method: clinical testing. Allele origin: germline.
Comment: This sequence change replaces glycine, which is neutral and non-polar, with serine, which is neutral and polar, at codon 763 of the CBL protein (p.Gly763Ser). This variant is present in population databases (no rsID available, gnomAD 0.01%). This variant has not been reported in the literature in individuals affected with CBL-related conditions. ClinVar contains an entry for this variant (Variation ID: 1192266). Invitae Evidence Modeling of protein sequence and biophysical properties (such as structural, functional, and spatial information, amino acid conservation, physicochemical variation, residue mobility, and thermodynamic stability) indicates that this missense variant is not expected to disrupt CBL protein function with a negative predictive value of 95%. In summary, the available evidence is currently insufficient to determine the role of this variant in disease. Therefore, it has been classified as a Variant of Uncertain Significance.

Women's Health and Genetics/Laboratory Corporation of America, LabCorp
Classification: Uncertain significance. Last evaluated: 2021-07-12. Review status: criteria provided, single submitter. Criteria: LabCorp Variant Classification Summary - May 2015. Collection method: clinical testing. Allele origin: germline.
Comment: Variant summary: CBL c.2287G>A (p.Gly763Ser) results in a non-conservative amino acid change in the encoded protein sequence. Three of five in-silico tools predict a damaging effect of the variant on protein function. The variant allele was found at a frequency of 3.2e-05 in 31402 control chromosomes (gnomAD). The available data on variant occurrences in the general population are insufficient to allow any conclusion about variant significance. To our knowledge, no occurrence of c.2287G>A in individuals affected with Noonan Syndrome-Like Disorder and no experimental evidence demonstrating its impact on protein function have been reported. No clinical diagnostic laboratories have submitted clinical-significance assessments for this variant to ClinVar after 2014. Based on the evidence outlined above, the variant was classified as uncertain significance.

NM_005188.4(CBL):c.2287G>A (p.Gly763Ser)

Gene: CBL (Cbl proto-oncogene; plus strand). Cytogenetic location: 11q23.3.
Variant type: single nucleotide variant.
Coding change: c.2287G>A on transcript NM_005188.4 (MANE Select); coding-DNA position 2287, G replaced by A.
Protein change: p.Gly763Ser; replaces glycine 763 with serine.
Molecular consequence: missense variant.
Genome position (GRCh38, 1-based): chr11:119,298,393, G>A. VCF-style: chr11-119298393-G-A. GRCh37 (hg19) VCF-style: chr11-119169103-G-A.
Other names: c.2287G>A (NM_005188.2); short protein forms G763S.
Identifiers: ClinVar variation 1192266 (VCV001192266.8), dbSNP rs1454216416, ClinGen allele CA382929123.